The following is an entry in ClinVar:

NM_012213.3(MLYCD):c.22_34del (p.Leu8fs)

Genes: MLYCD (malonyl-CoA decarboxylase; plus strand), LOC130059554 (ATAC-STARR-seq lymphoblastoid silent region 7769; plus strand). Cytogenetic location: 16q23.3.
Variant type: Deletion.
Coding change: c.22_34del on transcript NM_012213.3 (MANE Select); coding-DNA positions 22 to 34, 13 bases deleted (TTGACGGCCAGGC).
Protein change: p.Leu8fs; shifts the reading frame from leucine 8.
Molecular consequence: frameshift variant.
Genome position (GRCh38, 1-based): chr16:83,899,166-83,899,178, TTGACGGCCAGGC deleted; deleting any 13 consecutive bases within chr16:83,899,158-83,899,178 gives the same sequence; the c. name uses the placement nearest the transcript's 3' end. VCF-style (leftmost placement, unchanged base first): chr16-83899157-GGGCCAGGCTTGAC-G. GRCh37 (hg19) VCF-style: chr16-83932762-GGGCCAGGCTTGAC-G.
Other names: c.22_34delTTGACGGCCAGGC, p.Leu8Valfs (NM_012213.2); short protein forms L8fs.
Identifiers: ClinVar variation 2890013 (VCV002890013.6), dbSNP rs938617354, ClinGen allele CA285421459.
Genomic context (GRCh38, chr16:83,899,157, plus strand): 5'-CGCGGCAGCGGCGGCGGCGCTCCCCCTCGGCAGCTGTTGTGGGGCACCATGCGAGGCTTC[GGGCCAGGCTTGAC>G]GGCCAGGCGTCTCCTCCCGCTGCGGTTGCCCCCGCGGCCGCCCGGGCCCCGGCTGGCGAG-3'

ClinVar aggregate classification (germline): Pathogenic/Likely pathogenic. Review status: criteria provided, multiple submitters, no conflicts (2 of 4 stars). 2 submissions from 2 submitters: Pathogenic (1); Likely pathogenic (1). Last evaluated 2023-09-19.

Conditions:
Deficiency of malonyl-CoA decarboxylase. Also called: Malonic aciduria; MCD deficiency. Identifiers: Orphanet 943, MedGen C0342793, MONDO:0009556, OMIM 248360.

Submissions (2):

Labcorp Genetics (formerly Invitae), Labcorp
Classification: Pathogenic for Deficiency of malonyl-CoA decarboxylase. Last evaluated: 2023-09-19. Review status: criteria provided, single submitter. Criteria: Invitae Variant Classification Sherloc (09022015). Collection method: clinical testing. Allele origin: germline.
Comment: This sequence change creates a premature translational stop signal (p.Leu8Valfs*61) in the MLYCD gene. It is expected to result in an absent or disrupted protein product. Loss-of-function variants in MLYCD are known to be pathogenic (PMID: 12955715, 17186413). This variant is not present in population databases (gnomAD no frequency). This variant has not been reported in the literature in individuals affected with MLYCD-related conditions. For these reasons, this variant has been classified as Pathogenic.

Juno Genomics, Hangzhou Juno Genomics, Inc
Classification: Likely pathogenic for Deficiency of malonyl-CoA decarboxylase. Review status: criteria provided, single submitter. Criteria: ACMG Guidelines, 2015. Collection method: clinical testing. Allele origin: germline.
Comment: Null variant in a gene where loss of function (LOF) is a known mechanism of disease.;Absent from controls (or at extremely low frequency if recessive) in Genome Aggregation Database.

Literature cited by the submitters: PubMed 12955715 (cited by Labcorp Genetics (formerly Invitae), Labcorp); PubMed 17186413 (cited by Labcorp Genetics (formerly Invitae), Labcorp).